The following is an entry in ClinVar:

NM_152743.4(BRAT1):c.1753C>G (p.His585Asp)

Gene: BRAT1 (BRCA1 associated ATM activator 1; minus strand). Cytogenetic location: 7p22.3.
Variant type: single nucleotide variant.
Coding change: c.1753C>G on transcript NM_152743.4 (MANE Select); coding-DNA position 1753, C replaced by G.
Protein change: p.His585Asp; replaces histidine 585 with aspartic acid.
Molecular consequence: missense variant. On other transcripts: non-coding transcript variant (1).
Genome position (GRCh38, 1-based): chr7:2,539,196, G>C on the plus strand (C>G on the coding strand, the complement: BRAT1 is on the minus strand). VCF-style: chr7-2539196-G-C. GRCh37 (hg19) VCF-style: chr7-2578830-G-C.
Other names: c.1753C>G, p.His585Asp (NM_001350626.2); c.1228C>G, p.His410Asp (NM_001350627.2); short protein forms H585D, H410D.
Identifiers: ClinVar variation 1487744 (VCV001487744.8), dbSNP rs1778943232, ClinGen allele CA366626253.

ClinVar aggregate classification (germline): Uncertain significance (1 of 4 stars; one submission).

Conditions:
Neonatal-onset encephalopathy with rigidity and seizures. Also called: Lethal neonatal spasticity-epileptic encephalopathy syndrome. Identifiers: Orphanet 435845, MedGen C3281029, MONDO:0013784, OMIM 614498.

Submission:

Labcorp Genetics (formerly Invitae), Labcorp
Classification: Uncertain significance for Neonatal-onset encephalopathy with rigidity and seizures. Last evaluated: 2021-04-24. Review status: criteria provided, single submitter. Criteria: Invitae Variant Classification Sherloc (09022015). Collection method: clinical testing. Allele origin: germline.
Comment: In summary, the available evidence is currently insufficient to determine the role of this variant in disease. Therefore, it has been classified as a Variant of Uncertain Significance. This sequence change replaces histidine with aspartic acid at codon 585 of the BRAT1 protein (p.His585Asp). The histidine residue is moderately conserved and there is a moderate physicochemical difference between histidine and aspartic acid. This variant is not present in population databases (ExAC no frequency). This variant has not been reported in the literature in individuals with BRAT1-related conditions. Algorithms developed to predict the effect of missense changes on protein structure and function (SIFT, PolyPhen-2, Align-GVGD) all suggest that this variant is likely to be tolerated, but these predictions have not been confirmed by published functional studies and their clinical significance is uncertain.